The following is an entry in ClinVar:

NM_206937.2(LIG4):c.108C>G (p.Ile36Met)

Gene: LIG4 (DNA ligase 4; minus strand). Cytogenetic location: 13q33.3.
Variant type: single nucleotide variant.
Coding change: c.108C>G on transcript NM_206937.2 (MANE Select); coding-DNA position 108, C replaced by G.
Protein change: p.Ile36Met; replaces isoleucine 36 with methionine.
Molecular consequence: missense variant. On other transcripts: 5 prime UTR variant (1).
Genome position (GRCh38, 1-based): chr13:108,211,161, G>C on the plus strand (C>G on the coding strand, the complement: LIG4 is on the minus strand). VCF-style: chr13-108211161-G-C. GRCh37 (hg19) VCF-style: chr13-108863509-G-C.
Other names: c.108C>G, p.Ile36Met (NM_001098268.2, NM_001352598.2, NM_001352599.2 and 6 more transcripts); c.-94C>G (NM_001330595.2); c.144C>G, p.Ile48Met (NM_001352604.2); short protein forms I36M, I48M.
Identifiers: ClinVar variation 1517732 (VCV001517732.6), dbSNP rs780698348, ClinGen allele CA388624534.

ClinVar aggregate classification (germline): Uncertain significance (1 of 4 stars; one submission).

Conditions:
DNA ligase IV deficiency. Identifiers: Orphanet 99812, MedGen C1847827, MONDO:0011686, OMIM 606593.

Allele frequency attached by ClinVar (database versions not stated): gnomAD 0.00001.
gnomAD v4.1: 6 of 1,613,306 alleles (0.00037%); highest among the groups gnomAD compares: Non-Finnish European, 0.00051%; no homozygotes.

Submission:

Labcorp Genetics (formerly Invitae), Labcorp
Classification: Uncertain significance for DNA ligase IV deficiency. Last evaluated: 2025-03-18. Review status: criteria provided, single submitter. Criteria: Invitae Variant Classification Sherloc (09022015). Collection method: clinical testing. Allele origin: germline.
Comment: This sequence change replaces isoleucine, which is neutral and non-polar, with methionine, which is neutral and non-polar, at codon 36 of the LIG4 protein (p.Ile36Met). This variant is not present in population databases (gnomAD no frequency). This variant has not been reported in the literature in individuals affected with LIG4-related conditions. ClinVar contains an entry for this variant (Variation ID: 1517732). Invitae Evidence Modeling of protein sequence and biophysical properties (such as structural, functional, and spatial information, amino acid conservation, physicochemical variation, residue mobility, and thermodynamic stability) indicates that this missense variant is not expected to disrupt LIG4 protein function with a negative predictive value of 80%. In summary, the available evidence is currently insufficient to determine the role of this variant in disease. Therefore, it has been classified as a Variant of Uncertain Significance.